The following is an entry in ClinVar:

ClinVar aggregate classification (germline): Uncertain significance (1 of 4 stars; one submission).

Conditions:
Autosomal dominant nonsyndromic hearing loss 1. Also called: KONIGSMARK SYNDROME; DEAFNESS, AUTOSOMAL DOMINANT 1, WITH OR WITHOUT THROMBOCYTOPENIA. Identifiers: Orphanet 90635, MedGen C1852282, MONDO:0007424, OMIM 124900.
Progressive microcephaly-seizures-cortical blindness-developmental delay syndrome. Also called: Seizures, cortical blindness, and microcephaly syndrome. Identifiers: Orphanet 477814, MedGen C5567650, MONDO:0014714, OMIM 616632.

Submission:

Labcorp Genetics (formerly Invitae), Labcorp
Classification: Uncertain significance for Progressive microcephaly-seizures-cortical blindness-developmental delay syndrome; Autosomal dominant nonsyndromic hearing loss 1. Last evaluated: 2023-10-03. Review status: criteria provided, single submitter. Criteria: Invitae Variant Classification Sherloc (09022015). Collection method: clinical testing. Allele origin: germline.
Comment: This sequence change replaces aspartic acid, which is acidic and polar, with glutamic acid, which is acidic and polar, at codon 831 of the DIAPH1 protein (p.Asp831Glu). This variant is not present in population databases (gnomAD no frequency). This variant has not been reported in the literature in individuals affected with DIAPH1-related conditions. An algorithm developed to predict the effect of missense changes on protein structure and function (PolyPhen-2) suggests that this variant is likely to be tolerated. In summary, the available evidence is currently insufficient to determine the role of this variant in disease. Therefore, it has been classified as a Variant of Uncertain Significance.

NM_005219.5(DIAPH1):c.2493T>G (p.Asp831Glu)

Gene: DIAPH1 (diaphanous related formin 1; minus strand). Cytogenetic location: 5q31.3.
Variant type: single nucleotide variant.
Coding change: c.2493T>G on transcript NM_005219.5 (MANE Select); coding-DNA position 2493, T replaced by G.
Protein change: p.Asp831Glu; replaces aspartic acid 831 with glutamic acid.
Molecular consequence: missense variant.
Genome position (GRCh38, 1-based): chr5:141,534,423, A>C on the plus strand (T>G on the coding strand, the complement: DIAPH1 is on the minus strand). VCF-style: chr5-141534423-A-C. GRCh37 (hg19) VCF-style: chr5-140913990-A-C.
Other names: c.2466T>G, p.Asp822Glu (NM_001079812.3); c.2493T>G, p.Asp831Glu (NM_001314007.2); short protein forms D822E, D831E.
Identifiers: ClinVar variation 2947039 (VCV002947039.3), dbSNP rs2513637733, ClinGen allele CA361588061.